The following is an entry in ClinVar:

ClinVar aggregate classification (germline): Uncertain significance (1 of 4 stars; one submission).

Conditions:
Hereditary spastic paraplegia 75. Also called: Spastic paraplegia 75, autosomal recessive. Identifiers: Orphanet 459056, MedGen C4225250, MONDO:0014729, OMIM 616680.

gnomAD v4.1: 1 of 1,558,444 alleles (0.000064%); no homozygotes.

Submission:

Labcorp Genetics (formerly Invitae), Labcorp
Classification: Uncertain significance for Hereditary spastic paraplegia 75. Last evaluated: 2023-08-30. Review status: criteria provided, single submitter. Criteria: Invitae Variant Classification Sherloc (09022015). Collection method: clinical testing. Allele origin: germline.
Comment: In summary, the available evidence is currently insufficient to determine the role of this variant in disease. Therefore, it has been classified as a Variant of Uncertain Significance. Advanced modeling of protein sequence and biophysical properties (such as structural, functional, and spatial information, amino acid conservation, physicochemical variation, residue mobility, and thermodynamic stability) performed at Invitae indicates that this missense variant is not expected to disrupt MAG protein function. ClinVar contains an entry for this variant (Variation ID: 2038038). This variant has not been reported in the literature in individuals affected with MAG-related conditions. This variant is not present in population databases (gnomAD no frequency). This sequence change replaces histidine, which is basic and polar, with arginine, which is basic and polar, at codon 203 of the MAG protein (p.His203Arg).

NM_002361.4(MAG):c.608A>G (p.His203Arg)

Gene: MAG (myelin associated glycoprotein; plus strand). Cytogenetic location: 19q13.12.
Variant type: single nucleotide variant.
Coding change: c.608A>G on transcript NM_002361.4 (MANE Select); coding-DNA position 608, A replaced by G.
Protein change: p.His203Arg; replaces histidine 203 with arginine.
Molecular consequence: missense variant.
Genome position (GRCh38, 1-based): chr19:35,299,746, A>G. VCF-style: chr19-35299746-A-G. GRCh37 (hg19) VCF-style: chr19-35790649-A-G.
Other names: c.533A>G, p.His178Arg (NM_001199216.2); c.608A>G, p.His203Arg (NM_080600.3); short protein forms H203R, H178R.
Identifiers: ClinVar variation 2038038 (VCV002038038.4), dbSNP rs2066432388, ClinGen allele CA405309161.